The following is an entry in ClinVar:

NM_004963.4(GUCY2C):c.145G>A (p.Glu49Lys)

Genes: GUCY2C (guanylate cyclase 2C; minus strand), GUCY2C-AS1 (GUCY2C antisense RNA 1; plus strand). Cytogenetic location: 12p12.3.
Variant type: single nucleotide variant.
Coding change: c.145G>A on transcript NM_004963.4 (MANE Select); coding-DNA position 145, G replaced by A.
Protein change: p.Glu49Lys; replaces glutamic acid 49 with lysine.
Molecular consequence: missense variant.
Genome position (GRCh38, 1-based): chr12:14,696,304, C>T on the plus strand (G>A on the coding strand, the complement: GUCY2C is on the minus strand). VCF-style: chr12-14696304-C-T. GRCh37 (hg19) VCF-style: chr12-14849238-C-T.
Other names: c.145G>A (NM_004963.3); short protein forms E49K.
Identifiers: ClinVar variation 1383732 (VCV001383732.10), dbSNP rs1048000280, ClinGen allele CA233245554.

ClinVar aggregate classification (germline): Uncertain significance. Review status: criteria provided, multiple submitters, no conflicts (2 of 4 stars). 3 submissions from 3 submitters: Uncertain significance (3). Last evaluated 2025-12-29.

Conditions:
Inborn genetic diseases. Identifiers: MedGen C0950123, MeSH D030342.

Allele frequency attached by ClinVar (database versions not stated): gnomAD exomes 0.00001.
gnomAD v4.1: 5 of 1,614,152 alleles (0.00031%); highest among the groups gnomAD compares: East Asian, 0.0067%; no homozygotes.

Submissions (3):

Labcorp Genetics (formerly Invitae), Labcorp
Classification: Uncertain significance. Last evaluated: 2025-12-29. Review status: criteria provided, single submitter. Criteria: Invitae Variant Classification Sherloc (09022015). Collection method: clinical testing. Allele origin: germline.
Comment: This sequence change replaces glutamic acid, which is acidic and polar, with lysine, which is basic and polar, at codon 49 of the GUCY2C protein (p.Glu49Lys). This variant is not present in population databases (gnomAD no frequency). This variant has not been reported in the literature in individuals affected with GUCY2C-related conditions. ClinVar contains an entry for this variant (Variation ID: 1383732). An algorithm developed to predict the effect of missense changes on protein structure and function (PolyPhen-2) suggests that this variant is likely to be tolerated. In summary, the available evidence is currently insufficient to determine the role of this variant in disease. Therefore, it has been classified as a Variant of Uncertain Significance.

Ambry Genetics
Classification: Uncertain significance for Inborn genetic diseases. Last evaluated: 2025-10-28. Review status: criteria provided, single submitter. Criteria: Ambry Variant Classification Scheme 2023. Collection method: clinical testing. Allele origin: germline.

Blueprint Genetics
Classification: Uncertain significance. Last evaluated: 2024-02-29. Review status: criteria provided, single submitter. Criteria: ACMG Guidelines, 2015. Collection method: clinical testing. Allele origin: germline.